The following is an entry in ClinVar:

NM_012144.4(DNAI1):c.788T>C (p.Met263Thr)

Gene: DNAI1 (dynein axonemal intermediate chain 1; plus strand). Cytogenetic location: 9p13.3.
Variant type: single nucleotide variant.
Coding change: c.788T>C on transcript NM_012144.4 (MANE Select); coding-DNA position 788, T replaced by C.
Protein change: p.Met263Thr; replaces methionine 263 with threonine.
Molecular consequence: missense variant.
Genome position (GRCh38, 1-based): chr9:34,493,300, T>C. VCF-style: chr9-34493300-T-C. GRCh37 (hg19) VCF-style: chr9-34493298-T-C.
Other names: c.800T>C, p.Met267Thr (NM_001281428.2); c.788T>C (NM_012144.2); short protein forms M263T, M267T.
Identifiers: ClinVar variation 525420 (VCV000525420.14), dbSNP rs1228318421, ClinGen allele CA373249387.
Genomic context (GRCh38, chr9:34,493,300, plus strand): 5'-AGACCAAAGAGAAGGAGAAGGCAAAGACCCCAGTGGCTAAAAAATCAGGGAAGATGGCCA[T>C]GAGGAAGCTGACATCTATGGAGTCTCAGGTTTGGTGTTAGTTCCTACAGCTCTGCCACAG-3'
Protein context (NP_036276.1, residues 253-273): PVAKKSGKMA[Met263Thr]RKLTSMESQT

ClinVar aggregate classification (germline): Conflicting classifications of pathogenicity. Review status: criteria provided, conflicting classifications (1 of 4 stars). 4 submissions from 4 submitters: Uncertain significance (2); Likely benign (1). 1 of the submissions does not count toward it. Last evaluated 2023-07-17.

Conditions:
Primary ciliary dyskinesia. Also called: Ciliary dyskinesia. Identifiers: Orphanet 244, MedGen C0008780, MONDO:0016575, HP:0012265.

Allele frequency attached by ClinVar (database versions not stated): gnomAD below 0.00001 and 0.00001; gnomAD exomes 0.00001 and 0.00002.
gnomAD v4.1: 17 of 1,613,942 alleles (0.0011%); highest among the groups gnomAD compares: South Asian, 0.015%; no homozygotes.

Submissions (4):

Blueprint Genetics
Classification: Likely benign. Last evaluated: 2023-07-17. Review status: criteria provided, single submitter. Criteria: ACMG Guidelines, 2015. Collection method: clinical testing. Allele origin: germline.

Ambry Genetics
Classification: Uncertain significance for Primary ciliary dyskinesia. Last evaluated: 2023-01-23. Review status: criteria provided, single submitter. Criteria: Ambry Variant Classification Scheme 2023. Collection method: clinical testing. Allele origin: germline.

Labcorp Genetics (formerly Invitae), Labcorp
Classification: Uncertain significance for Primary ciliary dyskinesia. Last evaluated: 2022-07-18. Review status: criteria provided, single submitter. Criteria: Invitae Variant Classification Sherloc (09022015). Collection method: clinical testing. Allele origin: germline.
Comment: This sequence change replaces methionine, which is neutral and non-polar, with threonine, which is neutral and polar, at codon 263 of the DNAI1 protein (p.Met263Thr). This variant is present in population databases (no rsID available, gnomAD 0.02%). This variant has not been reported in the literature in individuals affected with DNAI1-related conditions. ClinVar contains an entry for this variant (Variation ID: 525420). Algorithms developed to predict the effect of missense changes on protein structure and function output the following: SIFT: "Tolerated"; PolyPhen-2: "Benign"; Align-GVGD: "Class C0". The threonine amino acid residue is found in multiple mammalian species, which suggests that this missense change does not adversely affect protein function. In summary, the available evidence is currently insufficient to determine the role of this variant in disease. Therefore, it has been classified as a Variant of Uncertain Significance.

Natera, Inc.
Classification: Uncertain significance for Primary ciliary dyskinesia. Last evaluated: 2019-10-28. Review status: no assertion criteria provided. Collection method: clinical testing. Allele origin: germline. Not counted in ClinVar's aggregate classification.